The following is an entry in ClinVar:

ClinVar aggregate classification (germline): Conflicting classifications of pathogenicity. Review status: criteria provided, conflicting classifications (1 of 4 stars). 3 submissions from 3 submitters: Uncertain significance (2); Likely benign (1). Last evaluated 2025-11-06.

Allele frequency attached by ClinVar (database versions not stated): gnomAD 0.00002 and 0.00003; ExAC 0.00011; 1000 Genomes Project 0.00020; gnomAD exomes 0.00008 and 0.00004; TOPMed 0.00003; 1000 Genomes Project 30x 0.00016.
gnomAD v4.1: 66 of 1,614,178 alleles (0.0041%); highest among the groups gnomAD compares: South Asian, 0.029%; no homozygotes.

Submissions (3):

Labcorp Genetics (formerly Invitae), Labcorp
Classification: Likely benign. Last evaluated: 2025-11-06. Review status: criteria provided, single submitter. Criteria: Invitae Variant Classification Sherloc (09022015). Collection method: clinical testing. Allele origin: germline.

Mayo Clinic Laboratories, Mayo Clinic
Classification: Uncertain significance. Last evaluated: 2025-07-03. Review status: criteria provided, single submitter. Criteria: ACMG Guidelines, 2015. Collection method: clinical testing. Allele origin: germline. Observed: 1 variant allele.
Comment: BP4

GeneDx
Classification: Uncertain significance. Last evaluated: 2025-05-16. Review status: criteria provided, single submitter. Criteria: GeneDx Variant Classification Process June 2021. Collection method: clinical testing. Allele origin: germline. Affected: yes.
Comment: In silico analysis suggests that this missense variant does not alter protein structure/function; Has not been previously published as pathogenic or benign to our knowledge

NM_021830.5(TWNK):c.1021C>T (p.Arg341Cys)

Gene: TWNK (twinkle mtDNA helicase; plus strand). Cytogenetic location: 10q24.31.
Variant type: single nucleotide variant.
Coding change: c.1021C>T on transcript NM_021830.5 (MANE Select); coding-DNA position 1021, C replaced by T.
Protein change: p.Arg341Cys; replaces arginine 341 with cysteine.
Molecular consequence: missense variant. On other transcripts: non-coding transcript variant (4), intron variant (3).
Genome position (GRCh38, 1-based): chr10:100,989,231, C>T. VCF-style: chr10-100989231-C-T. GRCh37 (hg19) VCF-style: chr10-102748988-C-T.
Other names: p.R341C:CGT>TGT; p.Arg341Cys; c.1021C>T, p.Arg341Cys (NM_001163812.2); c.-119-413C>T (NM_001163814.2, NM_001163813.2); c.-57-475C>T (NM_001368275.1); short protein forms R341C.
Identifiers: ClinVar variation 214175 (VCV000214175.9), dbSNP rs566579080, ClinGen allele CA324856.